The following is an entry in ClinVar:

NM_001292063.2(OTOG):c.2562-14G>A

Gene: OTOG (otogelin; plus strand). Cytogenetic location: 11p15.1.
Variant type: single nucleotide variant.
Coding change: c.2562-14G>A on transcript NM_001292063.2 (MANE Select); 14 bases into the intron before coding-DNA position 2562, G replaced by A.
Molecular consequence: intron variant.
Genome position (GRCh38, 1-based): chr11:17,576,854, G>A. VCF-style: chr11-17576854-G-A. GRCh37 (hg19) VCF-style: chr11-17598401-G-A.
Other names: c.2598-14G>A (NM_001277269.2).
Identifiers: ClinVar variation 227771 (VCV000227771.14), dbSNP rs550895099, ClinGen allele CA10576861.

ClinVar aggregate classification (germline): Likely benign. Review status: criteria provided, multiple submitters, no conflicts (2 of 4 stars). 3 submissions from 3 submitters: Likely benign (3). Last evaluated 2025-02-19.

Allele frequency attached by ClinVar (database versions not stated): gnomAD exomes 0.00010 and 0.00012; 1000 Genomes Project 30x 0.00016; gnomAD 0.00016; TOPMed 0.00019; 1000 Genomes Project 0.00020.
gnomAD v4.1: 170 of 1,550,254 alleles (0.011%); highest among the groups gnomAD compares: Admixed American, 0.026%; no homozygotes.

Submissions (3):

Labcorp Genetics (formerly Invitae), Labcorp
Classification: Likely benign. Last evaluated: 2025-02-19. Review status: criteria provided, single submitter. Criteria: Invitae Variant Classification Sherloc (09022015). Collection method: clinical testing. Allele origin: germline.

Blueprint Genetics
Classification: Likely benign. Last evaluated: 2024-11-07. Review status: criteria provided, single submitter. Criteria: ACMG Guidelines, 2015. Collection method: clinical testing. Allele origin: germline.

Laboratory for Molecular Medicine, Mass General Brigham Personalized Medicine
Classification: Likely benign. Last evaluated: 2015-11-24. Review status: criteria provided, single submitter. Criteria: LMM Criteria. Collection method: clinical testing. Allele origin: germline. Observed: 1 variant allele.
Comment: c.2598-14G>A in intron 21 of OTOG: This variant is not expected to have clinical significance because it is not located within the splice consensus sequence.